The following is an entry in ClinVar:

ClinVar aggregate classification (germline): Pathogenic (1 of 4 stars; one submission).

Conditions:
Familial cancer of breast. Also called: hereditary breast carcinoma; BREAST CANCER, FAMILIAL; Hereditary breast cancer. Identifiers: Orphanet 227535, MedGen C0346153, MONDO:0016419, OMIM 114480. Disease mechanism: loss of function.

Submission:

Labcorp Genetics (formerly Invitae), Labcorp
Classification: Pathogenic for Familial cancer of breast. Last evaluated: 2024-03-10. Review status: criteria provided, single submitter. Criteria: Invitae Variant Classification Sherloc (09022015). Collection method: clinical testing. Allele origin: germline.
Comment: This sequence change creates a premature translational stop signal (p.Asp111Argfs*13) in the PALB2 gene. It is expected to result in an absent or disrupted protein product. Loss-of-function variants in PALB2 are known to be pathogenic (PMID: 17200668, 17200671, 17200672, 24136930, 25099575). This variant is not present in population databases (gnomAD no frequency). This variant has not been reported in the literature in individuals affected with PALB2-related conditions. For these reasons, this variant has been classified as Pathogenic.

Literature cited by the submitters: PubMed 17200668; PubMed 17200671; PubMed 17200672; PubMed 24136930; PubMed 25099575.

NM_024675.4(PALB2):c.329dup (p.Asp111fs)

Gene: PALB2 (partner and localizer of BRCA2; minus strand). Cytogenetic location: 16p12.2.
Variant type: Duplication.
Coding change: c.329dup on transcript NM_024675.4 (MANE Select); coding-DNA position 329, one base duplicated (G; older notation c.329dupG).
Protein change: p.Asp111fs; shifts the reading frame from aspartic acid 111.
Molecular consequence: frameshift variant. On other transcripts: 5 prime UTR variant (8), intron variant (3).
Genome position (GRCh38, 1-based): chr16:23,636,217, C duplicated on the plus strand (G on the coding strand, the reverse complement: PALB2 is on the minus strand); the first of 2 consecutive C bases (chr16:23,636,217-23,636,218); duplicating either gives the same sequence. VCF-style (leftmost placement, unchanged base first): chr16-23636216-T-TC. GRCh37 (hg19) VCF-style: chr16-23647537-T-TC.
Other names: c.269dup, p.Asp91fs (NM_001407296.1); c.329dup, p.Asp111fs (NM_001407297.1, NM_001407298.1, NM_001407299.1 and 3 more transcripts); c.-557dup (NM_001407304.1, NM_001407305.1, NM_001407306.1 and 5 more transcripts); c.48+4893dup (NM_001407314.1); c.-105+4893dup (NM_001407313.1, NM_001407312.1); short protein forms D111fs, D91fs.
Identifiers: ClinVar variation 3645265 (VCV003645265.2).